The following is an entry in ClinVar:

NM_001101426.4(CRPPA):c.815C>T (p.Ala272Val)

Gene: CRPPA (CDP-L-ribitol pyrophosphorylase A; minus strand). Cytogenetic location: 7p21.2.
Variant type: single nucleotide variant.
Coding change: c.815C>T on transcript NM_001101426.4 (MANE Select); coding-DNA position 815, C replaced by T.
Protein change: p.Ala272Val; replaces alanine 272 with valine.
Molecular consequence: missense variant.
Genome position (GRCh38, 1-based): chr7:16,301,441, G>A on the plus strand (C>T on the coding strand, the complement: CRPPA is on the minus strand). VCF-style: chr7-16301441-G-A. GRCh37 (hg19) VCF-style: chr7-16341066-G-A.
Other names: c.665C>T, p.Ala222Val (NM_001101417.4); c.710C>T, p.Ala237Val (NM_001368197.1); short protein forms A272V, A222V, A237V.
Identifiers: ClinVar variation 943649 (VCV000943649.9), dbSNP rs765545106, ClinGen allele CA4169491.
Genomic context (GRCh38, chr7:16,301,441, plus strand): 5'-TTTGAAACACAGGAACTGACAGTCATAAGGCCAAACATACCCTTAATAATCGATTCAGCC[G>A]CATAGAGATCTCGTTTGTAGGTCACCTAAAGGACAGATAAACTTCATTAGACTTAACAGA-3'
Protein context (NP_001094896.1, residues 262-282): WKVTYKRDLY[Ala272Val]AESIIKERIS

ClinVar aggregate classification (germline): Uncertain significance. Review status: criteria provided, multiple submitters, no conflicts (2 of 4 stars). 2 submissions from 2 submitters: Uncertain significance (2). Last evaluated 2025-06-07.

Conditions:
Autosomal recessive limb-girdle muscular dystrophy type 2U. Also called: Muscular dystrophy-dystroglycanopathy (limb-girdle), type c, 7; MUSCULAR DYSTROPHY, LIMB-GIRDLE, TYPE 2U. Identifiers: Orphanet 352479, MedGen C5190987, MONDO:0014474, OMIM 616052.
Muscular dystrophy-dystroglycanopathy (congenital with brain and eye anomalies), type A, 7. Also called: Congenital muscular dystrophy-dystroglycanopathy with brain and eye anomalies, type A7; WALKER-WARBURG SYNDROME OR MUSCLE-EYE-BRAIN DISEASE, ISPD-RELATED. Identifiers: Orphanet 899, MedGen C3553330, MONDO:0013835, OMIM 614643.

Allele frequency attached by ClinVar (database versions not stated): gnomAD exomes 0.00001 and 0.00002; TOPMed 0.00001; ExAC 0.00002; gnomAD 0.00003.
gnomAD v4.1: 22 of 1,612,152 alleles (0.0014%); highest among the groups gnomAD compares: Admixed American, 0.0033%; no homozygotes.

Submissions (2):

Ambry Genetics
Classification: Uncertain significance. Last evaluated: 2025-06-07. Review status: criteria provided, single submitter. Criteria: Ambry Variant Classification Scheme 2023. Collection method: clinical testing. Allele origin: germline.

Labcorp Genetics (formerly Invitae), Labcorp
Classification: Uncertain significance for Muscular dystrophy-dystroglycanopathy (congenital with brain and eye anomalies), type A, 7; Autosomal recessive limb-girdle muscular dystrophy type 2U. Last evaluated: 2022-06-02. Review status: criteria provided, single submitter. Criteria: Invitae Variant Classification Sherloc (09022015). Collection method: clinical testing. Allele origin: germline.
Comment: In summary, the available evidence is currently insufficient to determine the role of this variant in disease. Therefore, it has been classified as a Variant of Uncertain Significance. Algorithms developed to predict the effect of missense changes on protein structure and function are either unavailable or do not agree on the potential impact of this missense change (SIFT: "Deleterious"; PolyPhen-2: "Possibly Damaging"; Align-GVGD: "Class C0"). ClinVar contains an entry for this variant (Variation ID: 943649). This variant has not been reported in the literature in individuals affected with ISPD-related conditions. The frequency data for this variant in the population databases is considered unreliable, as metrics indicate poor data quality at this position in the gnomAD database. This sequence change replaces alanine, which is neutral and non-polar, with valine, which is neutral and non-polar, at codon 272 of the ISPD protein (p.Ala272Val).